The following is an entry in ClinVar:

ClinVar aggregate classification (germline): Uncertain significance (1 of 4 stars; one submission).

Conditions:
Autosomal recessive limb-girdle muscular dystrophy type 2O. Also called: MUSCULAR DYSTROPHY-DYSTROGLYCANOPATHY (LIMB-GIRDLE), TYPE C, 3; MUSCULAR DYSTROPHY-DYSTROGLYCANOPATHY, LIMB-GIRDLE, POMGNT1-RELATED; Limb-Girdle Muscular Dystrophy Type 3C. Identifiers: Orphanet 206564, MedGen C3150417, MONDO:0013161, OMIM 613157.
Muscular dystrophy-dystroglycanopathy (congenital with impaired intellectual development), type B, 3. Also called: Muscular dystrophy-dystroglycanopathy (congenital with intellectual disability), type B3; MUSCULAR DYSTROPHY, CONGENITAL, POMGNT1-RELATED. Identifiers: MedGen C3150412, MONDO:0013155, OMIM 613151.

gnomAD v4.1: 2 of 1,613,564 alleles (0.00012%); highest among the groups gnomAD compares: Non-Finnish European, 0.00017%; no homozygotes.

Submission:

Labcorp Genetics (formerly Invitae), Labcorp
Classification: Uncertain significance for Autosomal recessive limb-girdle muscular dystrophy type 2O; Muscular dystrophy-dystroglycanopathy (congenital with impaired intellectual development), type B, 3. Last evaluated: 2022-08-16. Review status: criteria provided, single submitter. Criteria: Invitae Variant Classification Sherloc (09022015). Collection method: clinical testing. Allele origin: germline.
Comment: This sequence change replaces arginine, which is basic and polar, with glycine, which is neutral and non-polar, at codon 616 of the POMGNT1 protein (p.Arg616Gly). This variant is not present in population databases (gnomAD no frequency). This variant has not been reported in the literature in individuals affected with POMGNT1-related conditions. ClinVar contains an entry for this variant (Variation ID: 960656). Advanced modeling of protein sequence and biophysical properties (such as structural, functional, and spatial information, amino acid conservation, physicochemical variation, residue mobility, and thermodynamic stability) performed at Invitae indicates that this missense variant is not expected to disrupt POMGNT1 protein function. In summary, the available evidence is currently insufficient to determine the role of this variant in disease. Therefore, it has been classified as a Variant of Uncertain Significance.

NM_017739.4(POMGNT1):c.1846C>G (p.Arg616Gly)

Genes: POMGNT1 (protein O-linked mannose N-acetylglucosaminyltransferase 1 (beta 1,2-); minus strand), TSPAN1 (tetraspanin 1; plus strand). Cytogenetic location: 1p34.1.
Variant type: single nucleotide variant.
Coding change: c.1846C>G on transcript NM_017739.4 (MANE Select); coding-DNA position 1846, C replaced by G.
Protein change: p.Arg616Gly; replaces arginine 616 with glycine.
Molecular consequence: missense variant.
Genome position (GRCh38, 1-based): chr1:46,189,507, G>C on the plus strand (C>G on the coding strand, the complement: POMGNT1 is on the minus strand). VCF-style: chr1-46189507-G-C. GRCh37 (hg19) VCF-style: chr1-46655179-G-C.
Other names: c.1846C>G, p.Arg616Gly (NM_001243766.2, NM_001410783.1); c.1780C>G, p.Arg594Gly (NM_001290129.3); c.1417C>G, p.Arg473Gly (NM_001290130.2); short protein forms R473G, R616G, R594G.
Identifiers: ClinVar variation 960656 (VCV000960656.7), dbSNP rs763071717, ClinGen allele CA340170887.
Genomic context (GRCh38, chr1:46,189,507, plus strand): 5'-GGGTCACTCACGAGTAGGGGGAAGCCGGGACCCCCACCATCAGGAAGTGGTTCTTCTTCC[G>C]AAACAATCTCCACAGGCCCCGATGGTTGCCACGCACATCCAGGTCCCAGATATGGAGGCA-3'
Protein context (NP_060209.4, residues 606-626): GNHRGLWRLF[Arg616Gly]KKNHFLMVGV